The following is an entry in ClinVar:

ClinVar aggregate classification (germline): Uncertain significance (1 of 4 stars; one submission).

Conditions:
Cardiovascular phenotype. Identifiers: MedGen CN230736.

gnomAD v4.1: 1 of 1,613,886 alleles (0.000062%); highest among the groups gnomAD compares: Non-Finnish European, 0.000085%; no homozygotes.

Submission:

Ambry Genetics
Classification: Uncertain significance for Cardiovascular phenotype. Last evaluated: 2026-07-06. Review status: criteria provided, single submitter. Criteria: Ambry Variant Classification Scheme 2023. Collection method: clinical testing. Allele origin: germline.
Comment: The p.A744T variant (also known as c.2230G>A), located in coding exon 14 of the DSC2 gene, results from a G to A substitution at nucleotide position 2230. The alanine at codon 744 is replaced by threonine, an amino acid with similar properties. This amino acid position is conserved. In addition, the in silico prediction for this alteration is inconclusive. Based on the available evidence, the clinical significance of this variant remains unclear.

NM_024422.6(DSC2):c.2230G>A (p.Ala744Thr)

Gene: DSC2 (desmocollin 2; minus strand). Cytogenetic location: 18q12.1.
Variant type: single nucleotide variant.
Coding change: c.2230G>A on transcript NM_024422.6 (MANE Select); coding-DNA position 2230, G replaced by A.
Protein change: p.Ala744Thr; replaces alanine 744 with threonine.
Molecular consequence: missense variant.
Genome position (GRCh38, 1-based): chr18:31,070,746, C>T on the plus strand (G>A on the coding strand, the complement: DSC2 is on the minus strand). VCF-style: chr18-31070746-C-T. GRCh37 (hg19) VCF-style: chr18-28650712-C-T.
Other names: c.1801G>A, p.Ala601Thr (NM_001406506.1, NM_001406507.1); c.2230G>A, p.Ala744Thr (NM_004949.5); short protein forms A601T, A744T.
Identifiers: ClinVar variation 5035587 (VCV005035587.1).